The following is an entry in ClinVar:

ClinVar aggregate classification (germline): Likely pathogenic. Review status: criteria provided, single submitter (1 of 4 stars). 2 submissions from 2 submitters: Likely pathogenic (1). 1 of the submissions does not count toward it. Last evaluated 2020-07-14.

Conditions:
Intellectual developmental disorder, autosomal recessive 5. Also called: Intellectual disability, autosomal recessive 5. Identifiers: Orphanet 88616, MedGen C1970199, MONDO:0012613, OMIM 611091.

Allele frequency attached by ClinVar (database versions not stated): gnomAD exomes 0.00001; ExAC 0.00001; TOPMed 0.00001.

Submissions (2):

GeneDx
Classification: Likely pathogenic. Last evaluated: 2020-07-14. Review status: criteria provided, single submitter. Criteria: GeneDx Variant Classification Process June 2021. Collection method: clinical testing. Allele origin: germline. Affected: yes.
Comment: Published functional studies demonstrate a damaging effect due to failure of the protein to localize to the nucleoli in most transfected cells as compared to wild-type (Khan et al., 2012); In silico analysis supports that this missense variant has a deleterious effect on protein structure/function; This variant is associated with the following publications: (PMID: 28397838, 22541562)

OMIM
Classification: Pathogenic for INTELLECTUAL DEVELOPMENTAL DISORDER, AUTOSOMAL RECESSIVE 5. Last evaluated: 2012-05-04. Review status: no assertion criteria provided. Collection method: literature only. Allele origin: unknown. Not counted in ClinVar's aggregate classification.

Literature cited by the submitters: PubMed 22541562 (cited by OMIM).

NM_017755.6(NSUN2):c.2035G>A (p.Gly679Arg)

Gene: NSUN2 (NOP2/Sun RNA methyltransferase 2; minus strand). Cytogenetic location: 5p15.31.
Variant type: single nucleotide variant.
Coding change: c.2035G>A on transcript NM_017755.6 (MANE Select); coding-DNA position 2035, G replaced by A.
Protein change: p.Gly679Arg; replaces glycine 679 with arginine.
Molecular consequence: missense variant. On other transcripts: non-coding transcript variant (1).
Genome position (GRCh38, 1-based): chr5:6,600,195, C>T on the plus strand (G>A on the coding strand, the complement: NSUN2 is on the minus strand). VCF-style: chr5-6600195-C-T. GRCh37 (hg19) VCF-style: chr5-6600308-C-T.
Other names: c.1930G>A, p.Gly644Arg (NM_001193455.2); short protein forms G679R, G644R.
Identifiers: ClinVar variation 31678 (VCV000031678.5), dbSNP rs587776908, ClinGen allele CA129884.